The following is an entry in ClinVar:

NM_000038.6(APC):c.2116dup (p.Met706fs)

Gene: APC (APC regulator of Wnt signaling pathway; plus strand). Cytogenetic location: 5q22.2.
Variant type: Duplication.
Coding change: c.2116dup on transcript NM_000038.6 (MANE Select); coding-DNA position 2116, one base duplicated (A; older notation c.2116dupA).
Protein change: p.Met706fs; shifts the reading frame from methionine 706.
Molecular consequence: frameshift variant.
Genome position (GRCh38, 1-based): chr5:112,837,710, A duplicated. VCF-style (leftmost placement, unchanged base first): chr5-112837709-C-CA. GRCh37 (hg19) VCF-style: chr5-112173406-C-CA.
Other names: c.2116dup, p.Met706fs (NM_001127510.3, NM_001354895.2); c.2062dup, p.Met688fs (NM_001127511.3); c.2170dup, p.Met724fs (NM_001354896.2); c.2146dup, p.Met716fs (NM_001354897.2); c.2041dup, p.Met681fs (NM_001354898.2); c.2032dup, p.Met678fs (NM_001354899.2); c.1993dup, p.Met665fs (NM_001354900.2); c.1939dup, p.Met647fs (NM_001354901.2); and 16 more; short protein forms M423fs, M716fs, M678fs, M681fs, M724fs, M580fs, M615fs, M688fs.
Identifiers: ClinVar variation 1786179 (VCV001786179.2), dbSNP rs2533398127, ClinGen allele CA2580072419.

ClinVar aggregate classification (germline): Pathogenic (1 of 4 stars; one submission).

Conditions:
Hereditary cancer-predisposing syndrome. Also called: Neoplastic Syndromes, Hereditary; Tumor predisposition; Hereditary Cancer Syndrome; Hereditary neoplastic syndrome. Identifiers: Orphanet 140162, MedGen C0027672, MeSH D009386, MONDO:0015356.

Submission:

Ambry Genetics
Classification: Pathogenic for Hereditary cancer-predisposing syndrome. Last evaluated: 2021-11-24. Review status: criteria provided, single submitter. Criteria: Ambry Variant Classification Scheme 2023. Collection method: clinical testing. Allele origin: germline.
Comment: The c.2116dupA pathogenic mutation, located in coding exon 15 of the APC gene, results from a duplication of A at nucleotide position 2116, causing a translational frameshift with a predicted alternate stop codon (p.M706Nfs*28). This alteration occurs at the 3' terminus of theAPC gene, is not expected to trigger nonsense-mediated mRNA decay, and impacts the last 2138 amino acids of the protein. However, premature stop codons are typically deleterious in nature and the impacted region is critical for protein function and a significant portion of the protein is affected (Ambry internal data). Other truncating alterations downstream have been observed in individuals with a personal and/or family history that is consistent with APC-related disease (Ambry internal data). This variant is considered to be rare based on population cohorts in the Genome Aggregation Database (gnomAD). Based on the supporting evidence, this alteration is interpreted as a disease-causing mutation.